The following is an entry in ClinVar:

ClinVar aggregate classification (germline): Uncertain significance (1 of 4 stars; one submission).

Submission:

Labcorp Genetics (formerly Invitae), Labcorp
Classification: Uncertain significance. Last evaluated: 2025-12-28. Review status: criteria provided, single submitter. Criteria: Invitae Variant Classification Sherloc (09022015). Collection method: clinical testing. Allele origin: germline.
Comment: This sequence change replaces histidine, which is basic and polar, with arginine, which is basic and polar, at codon 1876 of the RAI1 protein (p.His1876Arg). This variant is present in population databases (rs751527805, gnomAD 0.002%). This variant has not been reported in the literature in individuals affected with RAI1-related conditions. Invitae Evidence Modeling of protein sequence and biophysical properties (such as structural, functional, and spatial information, amino acid conservation, physicochemical variation, residue mobility, and thermodynamic stability) indicates that this missense variant is not expected to disrupt RAI1 protein function with a negative predictive value of 80%. In summary, the available evidence is currently insufficient to determine the role of this variant in disease. Therefore, it has been classified as a Variant of Uncertain Significance.

NM_030665.4(RAI1):c.5627A>G (p.His1876Arg)

Gene: RAI1 (retinoic acid induced 1; plus strand). Cytogenetic location: 17p11.2.
Variant type: single nucleotide variant.
Coding change: c.5627A>G on transcript NM_030665.4 (MANE Select); coding-DNA position 5627, A replaced by G.
Protein change: p.His1876Arg; replaces histidine 1876 with arginine.
Molecular consequence: missense variant.
Genome position (GRCh38, 1-based): chr17:17,803,817, A>G. VCF-style: chr17-17803817-A-G. GRCh37 (hg19) VCF-style: chr17-17707131-A-G.
Other names: short protein forms H1876R.
Identifiers: ClinVar variation 4808249 (VCV004808249.1).